The following is an entry in ClinVar:

NM_000276.4(OCRL):c.375G>T (p.Glu125Asp)

Gene: OCRL (OCRL inositol polyphosphate-5-phosphatase; plus strand). Cytogenetic location: Xq26.1.
Variant type: single nucleotide variant.
Coding change: c.375G>T on transcript NM_000276.4 (MANE Select); coding-DNA position 375, G replaced by T.
Protein change: p.Glu125Asp; replaces glutamic acid 125 with aspartic acid.
Molecular consequence: missense variant.
Genome position (GRCh38, 1-based): chrX:129,557,886, G>T. VCF-style: chrX-129557886-G-T. GRCh37 (hg19) VCF-style: chrX-128691863-G-T.
Other names: c.378G>T, p.Glu126Asp (NM_001318784.2); c.375G>T, p.Glu125Asp (NM_001587.4); short protein forms E125D, E126D.
Identifiers: ClinVar variation 589078 (VCV000589078.21), dbSNP rs773022942, ClinGen allele CA10512013.
Genomic context (GRCh38, chrX:129,557,886, plus strand): 5'-TTCCCAGTTTCTGACCATGAACCTTATCTCTCTAGCTCAGTCACAGCTTCTTGTTCCAGA[G>T]CAAAAGGACTCATCTAGCTGGTACCAGAAATTAGACACTAAGGACAAACCTTCTGTTTTT-3'
Protein context (NP_000267.2, residues 115-135): QKAQSQLLVP[Glu125Asp]QKDSSSWYQK

ClinVar aggregate classification (germline): Benign/Likely benign. Review status: criteria provided, multiple submitters, no conflicts (2 of 4 stars). 8 submissions from 7 submitters: Benign (5); Likely benign (2). 1 of the submissions does not count toward it. Last evaluated 2026-02-03.

Conditions:
Nephrolithiasis/nephrocalcinosis. Identifiers: MedGen CN580796.
Congenital myopathy. Identifiers: Orphanet 97245, MedGen C0270960, MONDO:0019952.
Dent disease type 2. Identifiers: Orphanet 1652, Orphanet 93623, MedGen C1845167, MONDO:0010359, OMIM 300555.
Lowe syndrome (OCRL). Also called: Oculocerebrorenal Syndrome; LOWE OCULOCEREBRORENAL SYNDROME; PHOSPHATIDYLINOSITOL 4,5-BISPHOSPHATE 5-PHOSPHATASE DEFICIENCY. Identifiers: Orphanet 534, MedGen C0028860, MONDO:0010645, OMIM 309000.
OCRL-related disorder. Also called: OCRL-related condition.
Intellectual disability. Also called: intellectual disabilities; Intellectual developmental disorder; Intellectual functioning disability. Identifiers: MedGen C3714756, MeSH D008607, MONDO:0001071, HP:0001249.

Allele frequency attached by ClinVar (database versions not stated): gnomAD 0.00004 and 0.00025; TOPMed 0.00007; 1000 Genomes Project 30x 0.00104; 1000 Genomes Project 0.00132.

Submissions (8):

Labcorp Genetics (formerly Invitae), Labcorp
Classification: Benign for Lowe syndrome. Last evaluated: 2026-02-03. Review status: criteria provided, single submitter. Criteria: Invitae Variant Classification Sherloc (09022015). Collection method: clinical testing. Allele origin: germline.

Blueprint Genetics
Classification: Likely benign. Last evaluated: 2024-07-09. Review status: criteria provided, single submitter. Criteria: ACMG Guidelines, 2015. Collection method: clinical testing. Allele origin: germline.

Fulgent Genetics
Classification: Likely benign for Dent disease type 2; Lowe syndrome. Last evaluated: 2022-01-01. Review status: criteria provided, single submitter. Criteria: ACMG Guidelines, 2015. Collection method: clinical testing. Allele origin: unknown.

Cambridge Genomics Laboratory, East Genomic Laboratory Hub, NHS Genomic Medicine Service
Classification: Benign for Intellectual disability. Last evaluated: 2020-03-20. Review status: criteria provided, single submitter. Criteria: ACGS Best Practice Guidelines for Variant Classification in Rare Disease 2020. Collection method: clinical testing. Allele origin: germline. Affected: yes. Observed: 1 variant allele.

Cambridge Genomics Laboratory, East Genomic Laboratory Hub, NHS Genomic Medicine Service
Classification: Benign for Congenital myopathy. Last evaluated: 2019-04-17. Review status: criteria provided, single submitter. Criteria: ACGS Best Practice Guidelines for Variant Classification in Rare Disease 2020. Collection method: clinical testing. Allele origin: germline. Affected: yes. Observed: 1 variant allele.

Ambry Genetics
Classification: Benign for Nephrolithiasis/nephrocalcinosis. Last evaluated: 2017-05-15. Review status: criteria provided, single submitter. Criteria: Ambry Variant Classification Scheme 2023. Collection method: clinical testing. Allele origin: germline.

Breakthrough Genomics
Classification: Benign. Review status: criteria provided, single submitter. Criteria: ACMG Guidelines, 2015. Collection method: not provided. Allele origin: germline. Inheritance: X-linked inheritance. Affected: yes.

PreventionGenetics, part of Exact Sciences
Classification: Likely benign for OCRL-related condition. Last evaluated: 2019-04-05. Review status: no assertion criteria provided. Collection method: clinical testing. Allele origin: germline. Not counted in ClinVar's aggregate classification.
Comment: This variant is classified as likely benign based on ACMG/AMP sequence variant interpretation guidelines (Richards et al. 2015 PMID: 25741868, with internal and published modifications).